The following is an entry in ClinVar:

NM_022336.4(EDAR):c.1018G>A (p.Val340Met)

Genes: EDAR (ectodysplasin A receptor; minus strand), RANBP2 (RAN binding protein 2; plus strand). Cytogenetic location: 2q13.
Variant type: single nucleotide variant.
Coding change: c.1018G>A on transcript NM_022336.4 (MANE Select); coding-DNA position 1018, G replaced by A.
Protein change: p.Val340Met; replaces valine 340 with methionine.
Molecular consequence: missense variant.
Genome position (GRCh38, 1-based): chr2:108,906,314, C>T on the plus strand (G>A on the coding strand, the complement: EDAR is on the minus strand). VCF-style: chr2-108906314-C-T. GRCh37 (hg19) VCF-style: chr2-109522770-C-T.
Other names: short protein forms V340M.
Identifiers: ClinVar variation 2948164 (VCV002948164.3), dbSNP rs779487722, ClinGen allele CA1824847.

ClinVar aggregate classification (germline): Uncertain significance (1 of 4 stars; one submission).

Conditions:
Ectodermal dysplasia 10A, hypohidrotic/hair/nail type, autosomal dominant (ECTD10A). Also called: Ectodermal Dysplasia 3, Anhidrotic. Identifiers: Orphanet 1810, Orphanet 238468, MedGen C3888065, MONDO:0007509, OMIM 129490.
Autosomal recessive hypohidrotic ectodermal dysplasia syndrome. Also called: Autosomal recessive hypohidrotic ectodermal dysplasia. Identifiers: Orphanet 248, MedGen C0406702, MONDO:0016619.

gnomAD v4.1: 18 of 1,614,076 alleles (0.0011%); highest among the groups gnomAD compares: East Asian, 0.0089%; no homozygotes.

Submission:

Labcorp Genetics (formerly Invitae), Labcorp
Classification: Uncertain significance for Ectodermal dysplasia 10A, hypohidrotic/hair/nail type, autosomal dominant; Autosomal recessive hypohidrotic ectodermal dysplasia syndrome. Last evaluated: 2025-03-31. Review status: criteria provided, single submitter. Criteria: Invitae Variant Classification Sherloc (09022015). Collection method: clinical testing. Allele origin: germline.
Comment: This sequence change replaces valine, which is neutral and non-polar, with methionine, which is neutral and non-polar, at codon 340 of the EDAR protein (p.Val340Met). This variant is present in population databases (rs779487722, gnomAD 0.02%). This variant has not been reported in the literature in individuals affected with EDAR-related conditions. ClinVar contains an entry for this variant (Variation ID: 2948164). Invitae Evidence Modeling of protein sequence and biophysical properties (such as structural, functional, and spatial information, amino acid conservation, physicochemical variation, residue mobility, and thermodynamic stability) has been performed for this missense variant. However, the output from this modeling did not meet the statistical confidence thresholds required to predict the impact of this variant on EDAR protein function. In summary, the available evidence is currently insufficient to determine the role of this variant in disease. Therefore, it has been classified as a Variant of Uncertain Significance.